The following is an entry in ClinVar:

ClinVar aggregate classification (germline): Likely benign. Review status: reviewed by expert panel (3 of 4 stars). 5 submissions from 5 submitters: Likely benign (1). 4 of the submissions do not count toward it. Last evaluated 2021-03-16.

Conditions:
Malignant hyperthermia of anesthesia. Also called: Anesthesic-triggered malignant hyperthermia. Identifiers: Orphanet 423, MedGen C0024591, MONDO:0018493, HP:0034733.
RYR1-related disorder. Also called: RYR1-related disorders; RYR1-related condition. Identifiers: MedGen CN239331.
Malignant hyperthermia, susceptibility to, 1 (MHS1). Also called: Anesthesia related hyperthermia; Malignant hyperpyrexia; Fulminating hyperpyrexia; Pharmacogenic myopathy; RYR1-Related Malignant Hyperthermia Susceptibility; Malignant hyperthermia suceptibility 1. Identifiers: Orphanet 423, MedGen C2930980, MONDO:0007783, OMIM 145600.

Allele frequency attached by ClinVar (database versions not stated): gnomAD 0.00007; TOPMed 0.00008; gnomAD exomes 0.00018; ExAC 0.00034.
gnomAD v4.1: 159 of 1,614,054 alleles (0.0099%); highest among the groups gnomAD compares: Non-Finnish European, 0.011%; no homozygotes.

Submissions (5):

ClinGen Malignant Hyperthermia Susceptibility Variant Curation Expert Panel, ClinGen
Classification: Likely benign for Malignant hyperthermia of anesthesia. Last evaluated: 2021-03-16. Review status: reviewed by expert panel. Criteria: ClinGen MHS ACMG Specifications V1. Collection method: curation. Allele origin: germline. Inheritance: Autosomal dominant inheritance.
Comment: This pathogenicity assessment is relevant only for malignant hyperthermia susceptibility (MHS) inherited in an autosomal dominant pattern. Variants in RYR1 can also cause other myopathies inherited in an autosomal dominant pattern or in an autosomal recessive pattern. Some of these disorders may predispose individuals to malignant hyperthermia. RYR1 variants may also contribute to a malignant hyperthermia reaction in combination with other genetic and non-genetic factors and the clinician needs to consider such factors in making management decisions. This sequence variant predicts a substitution of arginine with histidine at codon 4723 of the RYR1 protein, p.(Arg4723His). The maximum allele frequency for this variant among the six major gnomAD populations is NFE: .000325, a frequency consistent with pathogenicity for MHS. This variant has been reported in an individual with a personal or family history of an MH episode and a positive in vitro contracture test (IVCT) or caffeine halothane contracture test (CHCT) result (if the proband was unavailable for testing, a positive diagnostic test result in a mutation-positive relative was counted) (PMID: 30236257). However, the high MAF in the NFE population in gnomAD precludes the use of PS4. No functional studies were identified for this variant. This variant resides in a region of RYR1 considered to be a hotspot for pathogenic variants that contribute to MHS, PM1_Sup (PMID: 21118704). A REVEL score of 0.79 supports neither a pathogenic nor a benign status for this variant. Based on using Bayes to combine criteria this variant is assessed as Likely Benign, (PMID: 29300386). Criteria implemented: PM1_Supporting, BS2_Moderate.

Labcorp Genetics (formerly Invitae), Labcorp
Classification: Uncertain significance for RYR1-related disorder. Last evaluated: 2025-09-24. Review status: criteria provided, single submitter. Criteria: Invitae Variant Classification Sherloc (09022015). Collection method: clinical testing. Allele origin: germline. Not counted in ClinVar's aggregate classification.
Comment: This sequence change replaces arginine, which is basic and polar, with histidine, which is basic and polar, at codon 4723 of the RYR1 protein (p.Arg4723His). This variant is present in population databases (rs200766617, gnomAD 0.03%). This missense change has been observed in individual(s) with clinical features of RYR1-related conditions (PMID: 25658027, 30236257, 37937776). ClinVar contains an entry for this variant (Variation ID: 849226). Invitae Evidence Modeling of protein sequence and biophysical properties (such as structural, functional, and spatial information, amino acid conservation, physicochemical variation, residue mobility, and thermodynamic stability) has been performed for this missense variant. However, the output from this modeling did not meet the statistical confidence thresholds required to predict the impact of this variant on RYR1 protein function. In summary, the available evidence is currently insufficient to determine the role of this variant in disease. Therefore, it has been classified as a Variant of Uncertain Significance.

All of Us Research Program, National Institutes of Health
Classification: Uncertain significance for Malignant hyperthermia, susceptibility to, 1. Last evaluated: 2024-05-14. Review status: criteria provided, single submitter. Criteria: ACMG Guidelines, 2015. Collection method: clinical testing. Allele origin: germline. Inheritance: Autosomal dominant inheritance. Observed: 16 variant alleles, 16 heterozygotes. Not counted in ClinVar's aggregate classification.
Comment: This missense variant replaces arginine with histidine at codon 4723 of the RYR1 protein. Computational prediction suggests that this variant may have deleterious impact on protein structure and function (internally defined REVEL score threshold >= 0.7, PMID: 27666373). To our knowledge, functional studies have not been reported for this variant. This variant has been reported in an individual affected with malignant hyperthermia susceptibility and in their unaffected relative (PMID: 25658027). This variant has been identified in 48/282718 chromosomes in the general population by the Genome Aggregation Database (gnomAD). The available evidence is insufficient to determine the role of this variant in disease conclusively. Therefore, this variant is classified as a Variant of Uncertain Significance.

This study involves interpretation of variants in research participants for the purpose of population health screening. Participant phenotype was not available at the time of variant classification. Additional details can be found in publication PMID: 35346344, PMCID: PMC8962531

Color Diagnostics, LLC DBA Color Health
Classification: Uncertain significance for Malignant hyperthermia, susceptibility to, 1. Last evaluated: 2024-04-18. Review status: criteria provided, single submitter. Criteria: ACMG Guidelines, 2015. Collection method: clinical testing. Allele origin: germline. Not counted in ClinVar's aggregate classification.
Comment: This missense variant replaces arginine with histidine at codon 4723 of the RYR1 protein. Computational prediction is inconclusive regarding the impact of this variant on protein structure and function. To our knowledge, functional studies have not been reported for this variant. This variant has been reported in an individual affected with malignant hyperthermia susceptibility and in their unaffected relative (PMID: 25658027). This variant has been identified in 48/282718 chromosomes in the general population by the Genome Aggregation Database (gnomAD). The available evidence is insufficient to determine the role of this variant in disease conclusively. Therefore, this variant is classified as a Variant of Uncertain Significance.

GeneDx
Classification: Uncertain significance. Last evaluated: 2022-06-28. Review status: criteria provided, single submitter. Criteria: GeneDx Variant Classification Process June 2021. Collection method: clinical testing. Allele origin: germline. Affected: yes. Not counted in ClinVar's aggregate classification.
Comment: Identified heterozygous in a patient with suspected malignant hyperthermia in published literature; however, variant was also present in patient's unaffected child (Fiszer et al., 2015); In silico analysis supports that this missense variant has a deleterious effect on protein structure/function; This variant is associated with the following publications: (PMID: 25658027)

Literature cited by the submitters: PubMed 25658027 (cited by 3 submitters); PubMed 30236257 (cited by Labcorp Genetics (formerly Invitae), Labcorp); PubMed 37937776 (cited by Labcorp Genetics (formerly Invitae), Labcorp).

NM_000540.3(RYR1):c.14168G>A (p.Arg4723His)

Gene: RYR1 (ryanodine receptor 1; plus strand). Cytogenetic location: 19q13.2.
Variant type: single nucleotide variant.
Coding change: c.14168G>A on transcript NM_000540.3 (MANE Select); coding-DNA position 14168, G replaced by A.
Protein change: p.Arg4723His; replaces arginine 4723 with histidine.
Molecular consequence: missense variant.
Genome position (GRCh38, 1-based): chr19:38,575,957, G>A. VCF-style: chr19-38575957-G-A. GRCh37 (hg19) VCF-style: chr19-39066597-G-A.
Other names: c.14153G>A, p.Arg4718His (NM_001042723.2); short protein forms R4718H, R4723H.
Identifiers: ClinVar variation 849226 (VCV000849226.10), dbSNP rs200766617, ClinGen allele CA060921.
Genomic context (GRCh38, chr19:38,575,957, plus strand): 5'-CTTTCTCTCTCTCTCTCTGCAGGTCTTTCCCTAGCAACTACTGGGACAAGTTTGTCAAGC[G>A]CAAGGTGAGAGGACATGGATGCCCTGGGTCCTGGATTGGGTCCCTGCCTGCCACCAGGCC-3'
Protein context (NP_000531.2, residues 4713-4733): PSNYWDKFVK[Arg4723His]KVLDKHGDIY